The following is an entry in ClinVar:

ClinVar aggregate classification (germline): Pathogenic/Likely pathogenic. Review status: criteria provided, multiple submitters, no conflicts (2 of 4 stars). 3 submissions from 3 submitters: Pathogenic (1); Likely pathogenic (2). Last evaluated 2025-10-26.

Conditions:
Muscular dystrophy-dystroglycanopathy. Also called: Congenital muscular dystrophy due to dystroglycanopathy. Identifiers: Orphanet 370953, MedGen C5679911, MONDO:0018276.
Muscular dystrophy-dystroglycanopathy (congenital with impaired intellectual development), type B, 3. Also called: Muscular dystrophy-dystroglycanopathy (congenital with intellectual disability), type B3; MUSCULAR DYSTROPHY, CONGENITAL, POMGNT1-RELATED. Identifiers: MedGen C3150412, MONDO:0013155, OMIM 613151.
Autosomal recessive limb-girdle muscular dystrophy type 2O. Also called: Limb-Girdle Muscular Dystrophy Type 3C; MUSCULAR DYSTROPHY-DYSTROGLYCANOPATHY (LIMB-GIRDLE), TYPE C, 3; MUSCULAR DYSTROPHY-DYSTROGLYCANOPATHY, LIMB-GIRDLE, POMGNT1-RELATED. Identifiers: Orphanet 206564, MedGen C3150417, MONDO:0013161, OMIM 613157.

Allele frequency attached by ClinVar (database versions not stated): gnomAD exomes below 0.00001.
gnomAD v4.1: 3 of 1,614,200 alleles (0.00019%); highest among the groups gnomAD compares: South Asian, 0.0033%; no homozygotes.

Submissions (3):

Labcorp Genetics (formerly Invitae), Labcorp
Classification: Pathogenic for Autosomal recessive limb-girdle muscular dystrophy type 2O; Muscular dystrophy-dystroglycanopathy (congenital with impaired intellectual development), type B, 3. Last evaluated: 2025-10-26. Review status: criteria provided, single submitter. Criteria: Invitae Variant Classification Sherloc (09022015). Collection method: clinical testing. Allele origin: germline.
Comment: This sequence change creates a premature translational stop signal (p.Trp206*) in the POMGNT1 gene. It is expected to result in an absent or disrupted protein product. Loss-of-function variants in POMGNT1 are known to be pathogenic (PMID: 19299310, 20816175, 21447391, 26908613, 27391550). This variant is present in population databases (no rsID available, gnomAD 0.003%). This premature translational stop signal has been observed in individual(s) with muscular dystrophy (PMID: 31069529). ClinVar contains an entry for this variant (Variation ID: 1450461). Algorithms developed to predict the effect of sequence changes on RNA splicing suggest that this variant may disrupt the consensus splice site. For these reasons, this variant has been classified as Pathogenic.

Neuberg Centre For Genomic Medicine, NCGM
Classification: Likely pathogenic for Muscular dystrophy-dystroglycanopathy (congenital with impaired intellectual development), type B, 3. Last evaluated: 2023-06-22. Review status: criteria provided, single submitter. Criteria: ACMG Guidelines, 2015. Collection method: clinical testing. Allele origin: germline. Inheritance: Autosomal recessive inheritance. Affected: yes.
Comment: The observed stop gained c.617G>Ap.Trp206Ter variant in POMGNT1 gene has not been reported previously as a pathogenic variant nor as a benign variant, to our knowledge. This variant is reported with the allele frequency of 0.0004% in the gnomAD Exomes. This variant has been reported to the ClinVar database as Likely Pathogenic / Pathogenic. This variant is predicted to cause loss of normal protein function either through protein truncation or nonsense-mediated mRNA decay. Loss of function variants have been previously reported to be disease causing. Computational evidence MutationTaster - Disease causing automatic predicts damaging effect on protein structure and function for this variant. For these reasons, this variant has been classified as Likely Pathogenic.

Broad Center for Mendelian Genomics, Broad Institute of MIT and Harvard
Classification: Likely pathogenic for Muscular dystrophy-dystroglycanopathy. Last evaluated: 2023-01-24. Review status: criteria provided, single submitter. Criteria: ACMG Guidelines, 2015. Collection method: curation. Allele origin: germline. Inheritance: Autosomal recessive inheritance.
Comment: The p.Trp206Ter variant in POMGNT1 has been reported in 1 individual, in the homozygous state, with POMGNT1-associated muscular dystrophy-dystroglycanopathy, and has been identified in 0.003% (1/30616) of South Asian chromosomes by the Genome Aggregation Database (gnomAD; dbSNP ID: rs1156647434). Although this variant has been seen in the general population in a heterozygous state, its frequency is low enough to be consistent with a recessive carrier frequency. This variant has also been reported in ClinVar (Variation ID#1450461) and has been interpreted as pathogenic by Invitae. This nonsense variant leads to a premature termination codon at position 206, which is predicted to lead to a truncated or absent protein. Loss of function is an established disease mechanism in autosomal recessive POMGNT1-associated muscular dystrophy-dystroglycanopathy. In summary, this variant meets criteria to be classified as pathogenic for POMGNT1-associated muscular dystrophy-dystroglycanopathy. ACMG/AMP Criteria applied: PVS1, PM2_Supporting, PM3_supporting (Richards 2015).

Literature cited by the submitters: PubMed 19299310 (cited by Labcorp Genetics (formerly Invitae), Labcorp); PubMed 20816175 (cited by Labcorp Genetics (formerly Invitae), Labcorp); PubMed 21447391 (cited by Labcorp Genetics (formerly Invitae), Labcorp); PubMed 26908613 (cited by Labcorp Genetics (formerly Invitae), Labcorp); PubMed 27391550 (cited by Labcorp Genetics (formerly Invitae), Labcorp); PubMed 31069529 (cited by Labcorp Genetics (formerly Invitae), Labcorp).

NM_017739.4(POMGNT1):c.617G>A (p.Trp206Ter)

Genes: POMGNT1 (protein O-linked mannose N-acetylglucosaminyltransferase 1 (beta 1,2-); minus strand), TSPAN1 (tetraspanin 1; plus strand). Cytogenetic location: 1p34.1.
Variant type: single nucleotide variant.
Coding change: c.617G>A on transcript NM_017739.4 (MANE Select); coding-DNA position 617, G replaced by A.
Protein change: p.Trp206Ter; replaces tryptophan 206 with a stop codon.
Molecular consequence: nonsense.
Genome position (GRCh38, 1-based): chr1:46,194,879, C>T on the plus strand (G>A on the coding strand, the complement: POMGNT1 is on the minus strand). VCF-style: chr1-46194879-C-T. GRCh37 (hg19) VCF-style: chr1-46660551-C-T.
Other names: NM_017739.4(POMGNT1):c.617G>A; p.Trp206Ter; c.617G>A, p.Trp206Ter (NM_001243766.2, NM_001410783.1); c.551G>A, p.Trp184Ter (NM_001290129.3); c.188G>A, p.Trp63Ter (NM_001290130.2); short protein forms W206*, W63*, W184*.
Identifiers: ClinVar variation 1450461 (VCV001450461.7), dbSNP rs1156647434, ClinGen allele CA340186716.
Genomic context (GRCh38, chr1:46,194,879, plus strand): 5'-AGTGGATGGCCTCTGATGCCGGCACCTCCTTTTCGTCCCACGAAGGCCCATGTGTCCCTC[C>T]AGCCCAGGGCAGGGCCAGCCTGGCTGCCCAGGCTCCTCAGCAGAGCCTTGGCTGTGTCCT-3'